The following is an entry in ClinVar:

ClinVar aggregate classification (germline): Likely pathogenic (1 of 4 stars; one submission).

Submission:

Labcorp Genetics (formerly Invitae), Labcorp
Classification: Likely pathogenic. Last evaluated: 2022-10-13. Review status: criteria provided, single submitter. Criteria: Invitae Variant Classification Sherloc (09022015). Collection method: clinical testing. Allele origin: germline.
Comment: In summary, the currently available evidence indicates that the variant is pathogenic, but additional data are needed to prove that conclusively. Therefore, this variant has been classified as Likely Pathogenic. Algorithms developed to predict the effect of sequence changes on RNA splicing suggest that this variant may disrupt the consensus splice site. ClinVar contains an entry for this variant (Variation ID: 1067216). Disruption of this splice site has been observed in individual(s) with atypical Usher syndrome (PMID: 28944237). This variant is not present in population databases (gnomAD no frequency). This sequence change affects an acceptor splice site in intron 69 of the ADGRV1 gene. It is expected to disrupt RNA splicing. Variants that disrupt the donor or acceptor splice site typically lead to a loss of protein function (PMID: 16199547), and loss-of-function variants in ADGRV1 are known to be pathogenic (PMID: 19357117, 22135276, 22147658, 26226137, 30718709, 31047384, 32467589).

Literature cited by the submitters: PubMed 28944237; PubMed 16199547; PubMed 19357117; PubMed 22135276; PubMed 22147658; PubMed 26226137; PubMed 30718709; PubMed 31047384; PubMed 32467589.

NM_032119.4(ADGRV1):c.14044-1G>A

Gene: ADGRV1 (adhesion G protein-coupled receptor V1; plus strand). Cytogenetic location: 5q14.3.
Variant type: single nucleotide variant.
Coding change: c.14044-1G>A on transcript NM_032119.4 (MANE Select); the canonical splice acceptor site of the intron before coding-DNA position 14044, G replaced by A.
Molecular consequence: splice acceptor variant.
Genome position (GRCh38, 1-based): chr5:90,790,872, G>A. VCF-style: chr5-90790872-G-A. GRCh37 (hg19) VCF-style: chr5-90086689-G-A.
Identifiers: ClinVar variation 1067216 (VCV001067216.9), dbSNP rs1223656686, ClinGen allele CA360399271.